The following is an entry in ClinVar:

ClinVar aggregate classification (germline): Pathogenic/Likely pathogenic. Review status: criteria provided, multiple submitters, no conflicts (2 of 4 stars). 2 submissions from 2 submitters: Pathogenic (1); Likely pathogenic (1). Last evaluated 2026-07-23.

Conditions:
FLNC-related disorder. Also called: FLNC-related condition; FLNC-related disorders.
Hypertrophic cardiomyopathy 26. Also called: Cardiomyopathy, familial hypertrophic, 26. Identifiers: Orphanet 75249, MedGen C4310749, MONDO:0014883, OMIM 617047.
Distal myopathy with posterior leg and anterior hand involvement. Also called: WILLIAMS DISTAL MYOPATHY. Identifiers: Orphanet 63273, MedGen C3279722, MONDO:0013550, OMIM 614065.
Myofibrillar myopathy 5. Also called: Filaminopathy (type); FILAMINOPATHY, AUTOSOMAL DOMINANT. Identifiers: Orphanet 171445, MedGen C1836050, MONDO:0012289, OMIM 609524.

Submissions (2):

PreventionGenetics, part of Exact Sciences
Classification: Likely pathogenic for FLNC-related condition. Last evaluated: 2026-07-23. Review status: criteria provided, single submitter. Criteria: ACMG Guidelines, 2015. Collection method: clinical testing. Allele origin: germline.
Comment: The FLNC c.1260delG variant is predicted to result in a frameshift and premature protein termination (p.Arg421Glyfs*71). To our knowledge this variant has not been reported in the literature or in a large population database (gnomAD), indicating this variant is rare. Frameshift variants in FLNC are expected to be pathogenic. This variant is interpreted as likely pathogenic.

Labcorp Genetics (formerly Invitae), Labcorp
Classification: Pathogenic for Distal myopathy with posterior leg and anterior hand involvement; Myofibrillar myopathy 5; Hypertrophic cardiomyopathy 26. Last evaluated: 2021-10-12. Review status: criteria provided, single submitter. Criteria: Invitae Variant Classification Sherloc (09022015). Collection method: clinical testing. Allele origin: germline.
Comment: This sequence change creates a premature translational stop signal (p.Arg421Glyfs*71) in the FLNC gene. It is expected to result in an absent or disrupted protein product. Loss-of-function variants in FLNC are known to be pathogenic (PMID: 27908349). This variant is not present in population databases (ExAC no frequency). This variant has not been reported in the literature in individuals affected with FLNC-related conditions. For these reasons, this variant has been classified as Pathogenic.

Literature cited by the submitters: PubMed 27908349 (cited by Labcorp Genetics (formerly Invitae), Labcorp).

NM_001458.5(FLNC):c.1260del (p.Arg421fs)

Gene: FLNC (filamin C; plus strand). Cytogenetic location: 7q32.1.
Variant type: Deletion.
Coding change: c.1260del on transcript NM_001458.5 (MANE Select); coding-DNA position 1260, one base deleted (G; older notation c.1260delG).
Protein change: p.Arg421fs; shifts the reading frame from arginine 421.
Molecular consequence: frameshift variant.
Genome position (GRCh38, 1-based): chr7:128,838,652, G deleted; the last of 2 consecutive G bases (chr7:128,838,651-128,838,652); deleting either gives the same sequence. VCF-style (leftmost placement, unchanged base first): chr7-128838650-CG-C. GRCh37 (hg19) VCF-style: chr7-128478704-CG-C.
Other names: c.1260del, p.Arg421fs (NM_001127487.2); c.1260delG (NM_001458.4); short protein forms R421fs.
Identifiers: ClinVar variation 1452427 (VCV001452427.7), dbSNP rs2128934500, ClinGen allele CA2573141762.